The following is an entry in ClinVar:

NM_000466.3(PEX1):c.2615G>A (p.Arg872Gln)

Gene: PEX1 (peroxisomal biogenesis factor 1; minus strand). Cytogenetic location: 7q21.2.
Variant type: single nucleotide variant.
Coding change: c.2615G>A on transcript NM_000466.3 (MANE Select); coding-DNA position 2615, G replaced by A.
Protein change: p.Arg872Gln; replaces arginine 872 with glutamine.
Molecular consequence: missense variant.
Genome position (GRCh38, 1-based): chr7:92,499,807, C>T on the plus strand (G>A on the coding strand, the complement: PEX1 is on the minus strand). VCF-style: chr7-92499807-C-T. GRCh37 (hg19) VCF-style: chr7-92129121-C-T.
Other names: c.2615G>A (NM_000466.2); c.2444G>A, p.Arg815Gln (NM_001282677.2); c.1991G>A, p.Arg664Gln (NM_001282678.2); short protein forms R815Q, R664Q, R872Q.
Identifiers: ClinVar variation 2082295 (VCV002082295.5), dbSNP rs139797041, ClinGen allele CA4341069.

ClinVar aggregate classification (germline): Uncertain significance. Review status: criteria provided, multiple submitters, no conflicts (2 of 4 stars). 4 submissions from 4 submitters: Uncertain significance (3). 1 of the submissions does not count toward it. Last evaluated 2024-09-06.

Conditions:
Heimler syndrome 1 (HMLR1). Also called: PEROXISOME BIOGENESIS DISORDER 1C. Identifiers: Orphanet 3220, MedGen C4551980, OMIM 234580, MONDO:0024544.
Peroxisome biogenesis disorder 1B (PBD1B). Also called: PEROXISOME BIOGENESIS DISORDER (NEONATAL ADRENOLEUKODYSTROPHY/INFANTILE REFSUM DISEASE); INFANTILE PHYTANIC ACID STORAGE DISEASE; PEROXISOME BIOGENESIS DISORDER (NALD/IRD); ADRENOLEUKODYSTROPHY, AUTOSOMAL NEONATAL; Refsum disease, infantile form; Infantile Refsum disease. Identifiers: Orphanet 44, MedGen C0282527, MONDO:0011101, OMIM 601539.
Peroxisome biogenesis disorder 1A (Zellweger) (PBD1A). Also called: Peroxisome biogenesis disorder 1a; Zellweger leukodystrophy. Identifiers: MedGen C4721541, MONDO:0008953, OMIM 214100.
PEX1-related disorder. Also called: PEX1-related condition.
Zellweger spectrum disorders (ZS). Also called: Zellweger syndrome; Zellweger Spectrum Disorder; Zellweger Spectrum; Zellweger Spectrum Disorder (ZSD). Identifiers: Orphanet 912, MedGen C0043459, MONDO:0019609.

Allele frequency attached by ClinVar (database versions not stated): gnomAD 0.00007; TOPMed 0.00009; ExAC 0.00010; ESP Exome Variant Server 0.00015; 1000 Genomes Project 30x 0.00016; gnomAD exomes 0.00019; 1000 Genomes Project 0.00020.
gnomAD v4.1: 301 of 1,609,186 alleles (0.019%); highest among the groups gnomAD compares: Non-Finnish European, 0.023%; no homozygotes.

Submissions (4):

Blueprint Genetics
Classification: Uncertain significance. Last evaluated: 2024-09-06. Review status: criteria provided, single submitter. Criteria: ACMG Guidelines, 2015. Collection method: clinical testing. Allele origin: germline.

Labcorp Genetics (formerly Invitae), Labcorp
Classification: Uncertain significance for Zellweger spectrum disorders. Last evaluated: 2022-09-13. Review status: criteria provided, single submitter. Criteria: Invitae Variant Classification Sherloc (09022015). Collection method: clinical testing. Allele origin: germline.
Comment: This sequence change replaces arginine, which is basic and polar, with glutamine, which is neutral and polar, at codon 872 of the PEX1 protein (p.Arg872Gln). This variant is present in population databases (rs139797041, gnomAD 0.02%). This variant has not been reported in the literature in individuals affected with PEX1-related conditions. Algorithms developed to predict the effect of missense changes on protein structure and function (SIFT, PolyPhen-2, Align-GVGD) all suggest that this variant is likely to be tolerated. In summary, the available evidence is currently insufficient to determine the role of this variant in disease. Therefore, it has been classified as a Variant of Uncertain Significance.

Juno Genomics, Hangzhou Juno Genomics, Inc
Classification: Uncertain significance for Heimler syndrome 1; Peroxisome biogenesis disorder 1A (Zellweger); Peroxisome biogenesis disorder 1B. Review status: criteria provided, single submitter. Criteria: ACMG Guidelines, 2015. Collection method: clinical testing. Allele origin: germline.
Comment: Absent from controls (or at extremely low frequency if recessive) in Genome Aggregation Database.;Multiple lines of computational evidence support a deleterious effect on the gene or gene product.

PreventionGenetics, part of Exact Sciences
Classification: Uncertain significance for PEX1-related condition. Last evaluated: 2024-08-21. Review status: no assertion criteria provided. Collection method: clinical testing. Allele origin: germline. Not counted in ClinVar's aggregate classification.
Comment: The PEX1 c.2615G>A variant is predicted to result in the amino acid substitution p.Arg872Gln. To our knowledge, this variant has not been reported in the literature. This variant is reported in 0.016% of alleles in individuals of European (Non-Finnish) descent in gnomAD. At this time, the clinical significance of this variant is uncertain due to the absence of conclusive functional and genetic evidence.